The following is an entry in ClinVar:

ClinVar aggregate classification (germline): Uncertain significance (1 of 4 stars; one submission).

Submission:

Dasa
Classification: Uncertain significance. Last evaluated: 2025-06-12. Review status: criteria provided, single submitter. Criteria: DASA Assertion Criteria. Collection method: clinical testing. Allele origin: germline.
Comment: NM_001394073.1(HS6ST2):c.1012G>T (p.Ala338Ser) is a missense variant that results in the substitution of alanine with serine. This variant is absent from population databases. Computational prediction algorithms are consistent with a benign effect. The currently available literature and clinical evidence are not sufficient to establish a definitive association between this variant and the reported condition. Therefore, this variant is classified as a variant of uncertain significance.

NM_001394073.1(HS6ST2):c.1012G>T (p.Ala338Ser)

Genes: HS6ST2 (heparan sulfate 6-O-sulfotransferase 2; minus strand), HS6ST2-AS1 (HS6ST2 antisense RNA 1; plus strand). Cytogenetic location: Xq26.2.
Variant type: single nucleotide variant.
Coding change: c.1012G>T on transcript NM_001394073.1 (MANE Select); coding-DNA position 1012, G replaced by T.
Protein change: p.Ala338Ser; replaces alanine 338 with serine.
Molecular consequence: missense variant. On other transcripts: intron variant (2).
Genome position (GRCh38, 1-based): chrX:132,669,168, C>A on the plus strand (G>T on the coding strand, the complement: HS6ST2 is on the minus strand). VCF-style: chrX-132669168-C-A. GRCh37 (hg19) VCF-style: chrX-131803196-C-A.
Other names: c.1012G>T, p.Ala338Ser (NM_001077188.2); c.948-40075G>T (NM_147175.4, NM_001394074.1); short protein forms A338S.
Identifiers: ClinVar variation 5020939 (VCV005020939.1).
Genomic context (GRCh38, chrX:132,669,168, plus strand): 5'-CTTACTTCCCACTCTTAGATGTGTTCCGGGTCTTTGTGGATGACGGAGAGTTGGCGCCTG[C>A]GTTAGTGTTTGGAGAACCCCGTTTATCCTTACTATACCCACAGAAAGAATAGAAAACATA-3'
Protein context (NP_001381002.1, residues 328-348): KDKRGSPNTN[Ala338Ser]GANSPSSTKT